The following is an entry in ClinVar:

ClinVar aggregate classification (germline): Uncertain significance (1 of 4 stars; one submission).

Conditions:
Infantile neuroaxonal dystrophy (NBIA2A). Also called: NEURODEGENERATION WITH BRAIN IRON ACCUMULATION 2A; SEITELBERGER DISEASE; Infantile neuroaxonal dystrophy 1. Identifiers: Orphanet 35069, MedGen C0270724, MONDO:0024457, OMIM 256600.

Allele frequency attached by ClinVar (database versions not stated): gnomAD exomes below 0.00001; ESP Exome Variant Server 0.00008; TOPMed 0.00008.
gnomAD v4.1: 20 of 1,614,054 alleles (0.0012%); highest among the groups gnomAD compares: East Asian, 0.02%; no homozygotes.

Submission:

Labcorp Genetics (formerly Invitae), Labcorp
Classification: Uncertain significance for Infantile neuroaxonal dystrophy. Last evaluated: 2022-07-19. Review status: criteria provided, single submitter. Criteria: Invitae Variant Classification Sherloc (09022015). Collection method: clinical testing. Allele origin: germline.
Comment: This sequence change replaces arginine, which is basic and polar, with histidine, which is basic and polar, at codon 53 of the PLA2G6 protein (p.Arg53His). This variant is present in population databases (rs141050017, gnomAD 0.02%). This variant has not been reported in the literature in individuals affected with PLA2G6-related conditions. Algorithms developed to predict the effect of missense changes on protein structure and function are either unavailable or do not agree on the potential impact of this missense change (SIFT: "Tolerated"; PolyPhen-2: "Possibly Damaging"; Align-GVGD: "Class C0"). In summary, the available evidence is currently insufficient to determine the role of this variant in disease. Therefore, it has been classified as a Variant of Uncertain Significance.

NM_003560.4(PLA2G6):c.158G>A (p.Arg53His)

Gene: PLA2G6 (phospholipase A2 group VI; minus strand). Cytogenetic location: 22q13.1.
Variant type: single nucleotide variant.
Coding change: c.158G>A on transcript NM_003560.4 (MANE Select); coding-DNA position 158, G replaced by A.
Protein change: p.Arg53His; replaces arginine 53 with histidine.
Molecular consequence: missense variant. On other transcripts: 5 prime UTR variant (3).
Genome position (GRCh38, 1-based): chr22:38,169,269, C>T on the plus strand (G>A on the coding strand, the complement: PLA2G6 is on the minus strand). VCF-style: chr22-38169269-C-T. GRCh37 (hg19) VCF-style: chr22-38565276-C-T.
Other names: c.158G>A, p.Arg53His (NM_001004426.3, NM_001199562.3, NM_001349864.2 and 2 more transcripts); c.-508G>A (NM_001349867.2, NM_001349869.2); c.-333G>A (NM_001349868.2); short protein forms R53H.
Identifiers: ClinVar variation 2141471 (VCV002141471.1), dbSNP rs141050017, ClinGen allele CA10231362.